The following is an entry in ClinVar:

ClinVar aggregate classification (germline): Pathogenic (1 of 4 stars; one submission).

Submission:

CeGaT Center for Human Genetics Tuebingen
Classification: Pathogenic. Last evaluated: 2025-07-01. Review status: criteria provided, single submitter. Criteria: CeGaT Center For Human Genetics Tuebingen Variant Classification Criteria Version 2. Collection method: clinical testing. Allele origin: germline. Affected: yes. Observed: 1 variant allele.
Comment: SDHAF2: PVS1, PM2

NM_017841.4(SDHAF2):c.260+2T>A

Gene: SDHAF2 (succinate dehydrogenase complex assembly factor 2; plus strand). Cytogenetic location: 11q12.2.
Variant type: single nucleotide variant.
Coding change: c.260+2T>A on transcript NM_017841.4 (MANE Select); the canonical splice donor site of the intron after coding-DNA position 260, T replaced by A.
Molecular consequence: splice donor variant.
Genome position (GRCh38, 1-based): chr11:61,437,850, T>A. VCF-style: chr11-61437850-T-A. GRCh37 (hg19) VCF-style: chr11-61205322-T-A.
Identifiers: ClinVar variation 4085561 (VCV004085561.8).